The following is an entry in ClinVar:

NM_003060.4(SLC22A5):c.393+5G>A

Gene: SLC22A5 (solute carrier family 22 member 5; plus strand). Cytogenetic location: 5q31.1.
Variant type: single nucleotide variant.
Coding change: c.393+5G>A on transcript NM_003060.4 (MANE Select); 5 bases into the intron after coding-DNA position 393, G replaced by A.
Molecular consequence: intron variant.
Genome position (GRCh38, 1-based): chr5:132,370,370, G>A. VCF-style: chr5-132370370-G-A. GRCh37 (hg19) VCF-style: chr5-131706062-G-A.
Other names: c.393+5G>A (NM_001308122.2).
Identifiers: ClinVar variation 550011 (VCV000550011.3), dbSNP rs1554086029, ClinGen allele CA658821629.

ClinVar aggregate classification (germline): Uncertain significance. Review status: criteria provided, single submitter (1 of 4 stars). 2 submissions from 2 submitters: Uncertain significance (1). 1 of the submissions does not count toward it. Last evaluated 2023-05-30.

Conditions:
Renal carnitine transport defect (CDSP). Also called: Systemic primary carnitine deficiency disease; CARNITINE DEFICIENCY, SYSTEMIC, DUE TO DEFECT IN RENAL REABSORPTION OF CARNITINE; CARNITINE TRANSPORTER, PLASMA-MEMBRANE, DEFICIENCY OF; CARNITINE UPTAKE DEFECT; Carnitine transporter deficiency; Carnitine Deficiency, Systemic. Identifiers: Orphanet 158, MedGen C0342788, MONDO:0008919, OMIM 212140.

Submissions (2):

GeneDx
Classification: Uncertain significance. Last evaluated: 2023-05-30. Review status: criteria provided, single submitter. Criteria: GeneDx Variant Classification Process June 2021. Collection method: clinical testing. Allele origin: germline. Affected: yes.
Comment: Not observed at significant frequency in large population cohorts (gnomAD); In silico analysis is inconclusive as to whether the variant alters gene splicing. In the absence of RNA/functional studies, the actual effect of this sequence change is unknown.; This variant is associated with the following publications: (PMID: 28841266, 25132046)

Counsyl
Classification: Uncertain significance for Renal carnitine transport defect. Last evaluated: 2017-04-28. Review status: no assertion criteria provided. Collection method: clinical testing. Allele origin: unknown. Not counted in ClinVar's aggregate classification.

Literature cited by the submitters: PubMed 25132046 (cited by Counsyl).